The following is an entry in ClinVar:

NM_001271.4(CHD2):c.3596-20G>A

Gene: CHD2 (chromodomain helicase DNA binding protein 2; plus strand). Cytogenetic location: 15q26.1.
Variant type: single nucleotide variant.
Coding change: c.3596-20G>A on transcript NM_001271.4 (MANE Select); 20 bases into the intron before coding-DNA position 3596, G replaced by A.
Molecular consequence: intron variant.
Genome position (GRCh38, 1-based): chr15:92,996,937, G>A. VCF-style: chr15-92996937-G-A. GRCh37 (hg19) VCF-style: chr15-93540167-G-A.
Identifiers: ClinVar variation 257710 (VCV000257710.10), dbSNP rs78359469, ClinGen allele CA7748271.

ClinVar aggregate classification (germline): Benign. Review status: criteria provided, multiple submitters, no conflicts (2 of 4 stars). 4 submissions from 4 submitters: Benign (4). Last evaluated 2026-02-03.

Conditions:
Developmental and epileptic encephalopathy 94 (DEE94). Also called: Epileptic encephalopathy, childhood-onset; CHD2-Related Neurodevelopmental Disorders. Identifiers: Orphanet 1942, Orphanet 2382, MedGen C3809278, MONDO:0014150, OMIM 615369.

Allele frequency attached by ClinVar (database versions not stated): gnomAD 0.01874 and 0.02014; 1000 Genomes Project 0.01877; gnomAD exomes 0.00184 and 0.00488; ExAC 0.00613; 1000 Genomes Project 30x 0.01968; TOPMed 0.02071; ESP Exome Variant Server 0.02132.
gnomAD v4.1: 5,592 of 1,594,562 alleles (0.35%); highest among the groups gnomAD compares: African/African-American, 6.8%; 177 homozygotes.

Submissions (4):

Labcorp Genetics (formerly Invitae), Labcorp
Classification: Benign for Developmental and epileptic encephalopathy 94. Last evaluated: 2026-02-03. Review status: criteria provided, single submitter. Criteria: Invitae Variant Classification Sherloc (09022015). Collection method: clinical testing. Allele origin: germline.

GeneDx
Classification: Benign. Last evaluated: 2016-01-12. Review status: criteria provided, single submitter. Criteria: GeneDx Variant Classification (06012015). Collection method: clinical testing. Allele origin: germline. Affected: yes.
Comment: This variant is considered likely benign or benign based on one or more of the following criteria: it is a conservative change, it occurs at a poorly conserved position in the protein, it is predicted to be benign by multiple in silico algorithms, and/or has population frequency not consistent with disease.

Breakthrough Genomics
Classification: Benign. Review status: criteria provided, single submitter. Criteria: ACMG Guidelines, 2015. Collection method: not provided. Allele origin: germline. Inheritance: Autosomal dominant inheritance. Affected: yes.

PreventionGenetics, part of Exact Sciences
Classification: Benign. Review status: criteria provided, single submitter. Criteria: ACMG Guidelines, 2015. Collection method: clinical testing. Allele origin: germline.